The following is an entry in ClinVar:

ClinVar aggregate classification (germline): Likely benign (1 of 4 stars; one submission).

Allele frequency attached by ClinVar (database versions not stated): 1000 Genomes Project 30x 0.00016.

Submission:

CeGaT Center for Human Genetics Tuebingen
Classification: Likely benign. Last evaluated: 2022-09-01. Review status: criteria provided, single submitter. Criteria: CeGaT Center For Human Genetics Tuebingen Variant Classification Criteria Version 2. Collection method: clinical testing. Allele origin: germline. Affected: yes. Observed: 1 variant allele.
Comment: MUC19: BP4, BP7

NC_000012.12:g.40501181C>A

Gene: MUC19 (mucin 19, oligomeric (gene/pseudogene); plus strand). Cytogenetic location: 12q12.
Variant type: single nucleotide variant.
Genome position: GRCh38 VCF-style: chr12-40501181-C-A. GRCh37 (hg19) VCF-style: chr12-40894983-C-A.
Identifiers: ClinVar variation 2642878 (VCV002642878.24), dbSNP rs182469326, ClinGen allele CA235387085.